The following is an entry in ClinVar:

NM_000059.4(BRCA2):c.10141A>C (p.Arg3381=)

Gene: BRCA2 (BRCA2 DNA repair associated; plus strand). Cytogenetic location: 13q13.1.
Variant type: single nucleotide variant.
Coding change: c.10141A>C on transcript NM_000059.4 (MANE Select); coding-DNA position 10141, A replaced by C.
Protein change: p.Arg3381=; no amino-acid change (arginine 3381 retained).
Molecular consequence: synonymous variant.
Genome position (GRCh38, 1-based): chr13:32,398,654, A>C. VCF-style: chr13-32398654-A-C. GRCh37 (hg19) VCF-style: chr13-32972791-A-C.
Identifiers: ClinVar variation 759393 (VCV000759393.33), dbSNP rs1593202369, ClinGen allele CA483440546.

ClinVar aggregate classification (germline): Likely benign. Review status: criteria provided, multiple submitters, no conflicts (2 of 4 stars). 3 submissions from 3 submitters: Likely benign (3). Last evaluated 2024-10-15.

Conditions:
Hereditary cancer-predisposing syndrome. Also called: Hereditary Cancer Syndrome; Tumor predisposition; Hereditary neoplastic syndrome; Neoplastic Syndromes, Hereditary. Identifiers: Orphanet 140162, MedGen C0027672, MeSH D009386, MONDO:0015356.
Hereditary breast ovarian cancer syndrome. Also called: Hereditary breast and ovarian cancer syndrome; Hereditary breast and ovarian cancer syndrome (HBOC); BRCA1- and BRCA2-Associated Hereditary Breast and Ovarian Cancer; Hereditary breast and ovarian cancer; Breast and ovarian cancer; Hereditary breast and/or ovarian cancer syndrome. Identifiers: Orphanet 145, MedGen C0677776, MeSH D061325, MONDO:0003582. Disease mechanism: loss of function.

Submissions (3):

Labcorp Genetics (formerly Invitae), Labcorp
Classification: Likely benign for Hereditary breast ovarian cancer syndrome. Last evaluated: 2024-10-15. Review status: criteria provided, single submitter. Criteria: Invitae Variant Classification Sherloc (09022015). Collection method: clinical testing. Allele origin: germline.

CeGaT Center for Human Genetics Tuebingen
Classification: Likely benign. Last evaluated: 2024-10-01. Review status: criteria provided, single submitter. Criteria: CeGaT Center For Human Genetics Tuebingen Variant Classification Criteria Version 2. Collection method: clinical testing. Allele origin: germline. Affected: yes. Observed: 3 variant alleles.
Comment: BRCA2: BP4, BP7

Ambry Genetics
Classification: Likely benign for Hereditary cancer-predisposing syndrome. Last evaluated: 2023-09-14. Review status: criteria provided, single submitter. Criteria: Ambry Variant Classification Scheme 2023. Collection method: clinical testing. Allele origin: germline.